The following is an entry in ClinVar:

ClinVar aggregate classification (germline): Pathogenic. Review status: criteria provided, multiple submitters, no conflicts (2 of 4 stars). 2 submissions from 2 submitters: Pathogenic (2). Last evaluated 2026-09-09.

Conditions:
Neurofibromatosis, type 1 (NF1). Also called: VON RECKLINGHAUSEN DISEASE; NEUROFIBROMATOSIS, TYPE I, SOMATIC; Neurofibromatosis, type I; Peripheral type neurofibromatosis. Identifiers: Orphanet 636, MedGen C0027831, MONDO:0018975, OMIM 162200. Disease mechanism: loss of function.
NF1-related disorder. Also called: NF1-related condition. Identifiers: MedGen CN379171.

Allele frequency attached by ClinVar (database versions not stated): gnomAD exomes below 0.00001.
gnomAD v4.1: 1 of 1,538,108 alleles (0.000065%); highest among the groups gnomAD compares: Non-Finnish European, 0.000087%; no homozygotes.

Submissions (2):

PreventionGenetics, part of Exact Sciences
Classification: Pathogenic for NF1-related condition. Last evaluated: 2026-09-09. Review status: criteria provided, single submitter. Criteria: ACMG Guidelines, 2015. Collection method: clinical testing. Allele origin: germline.
Comment: The NF1 c.60+2T>A variant is predicted to disrupt the GT donor site and interfere with normal splicing. This variant has been reported in individuals with clinical features of neurofibromatosis type 1 (Upadhyaya et al. 2008. PubMed ID: 18484666; Duat Rodríguez et al. 2014. PubMed ID: 25541118). This variant has not been reported in a large population database (gnomAD), indicating it is rare and is classified as pathogenic in ClinVar (Variation ID: 2852578). Variants that disrupt the consensus splice donor site in NF1 are expected to be pathogenic. This variant is interpreted as pathogenic.

Labcorp Genetics (formerly Invitae), Labcorp
Classification: Pathogenic for Neurofibromatosis, type 1. Last evaluated: 2023-04-06. Review status: criteria provided, single submitter. Criteria: Invitae Variant Classification Sherloc (09022015). Collection method: clinical testing. Allele origin: germline.
Comment: This variant is not present in population databases (gnomAD no frequency). Disruption of this splice site has been observed in individual(s) with clinical features of neurofibromatosis 1 (PMID: 18484666, 25541118; Invitae). Algorithms developed to predict the effect of sequence changes on RNA splicing suggest that this variant may disrupt the consensus splice site. For these reasons, this variant has been classified as Pathogenic. This sequence change affects a donor splice site in intron 1 of the NF1 gene. It is expected to disrupt RNA splicing. Variants that disrupt the donor or acceptor splice site typically lead to a loss of protein function (PMID: 16199547), and loss-of-function variants in NF1 are known to be pathogenic (PMID: 10712197, 23913538).

Literature cited by the submitters: PubMed 18484666 (cited by Labcorp Genetics (formerly Invitae), Labcorp); PubMed 25541118 (cited by Labcorp Genetics (formerly Invitae), Labcorp); PubMed 16199547 (cited by Labcorp Genetics (formerly Invitae), Labcorp); PubMed 10712197 (cited by Labcorp Genetics (formerly Invitae), Labcorp); PubMed 23913538 (cited by Labcorp Genetics (formerly Invitae), Labcorp).

NM_001042492.3(NF1):c.60+2T>A

Genes: MIR4733HG (MIR4733 host gene; minus strand), NF1 (neurofibromin 1; plus strand), LOC111811965 (NF1 (neurofibromin 1) promoter region; plus strand). Cytogenetic location: 17q11.2.
Variant type: single nucleotide variant.
Coding change: c.60+2T>A on transcript NM_001042492.3 (MANE Select); the canonical splice donor site of the intron after coding-DNA position 60, T replaced by A.
Molecular consequence: splice donor variant. On other transcripts: non-coding transcript variant (1).
Genome position (GRCh38, 1-based): chr17:31,095,371, T>A. VCF-style: chr17-31095371-T-A. GRCh37 (hg19) VCF-style: chr17-29422389-T-A.
Other names: c.60+2T>A (NM_000267.3, NM_000267.4, NM_001128147.3).
Identifiers: ClinVar variation 2852578 (VCV002852578.4), dbSNP rs2143145948, ClinGen allele CA398979451.